The following is an entry in ClinVar:

ClinVar aggregate classification (germline): Uncertain significance (1 of 4 stars; one submission).

Conditions:
Breast-ovarian cancer, familial, susceptibility to, 4. Identifiers: Orphanet 145, MedGen C3280345, MONDO:0013669, OMIM 614291.

gnomAD v4.1: 2 of 1,611,218 alleles (0.00012%); highest among the groups gnomAD compares: Admixed American, 0.0017%; no homozygotes.

Submission:

Labcorp Genetics (formerly Invitae), Labcorp
Classification: Uncertain significance for Breast-ovarian cancer, familial, susceptibility to, 4. Last evaluated: 2023-07-31. Review status: criteria provided, single submitter. Criteria: Invitae Variant Classification Sherloc (09022015). Collection method: clinical testing. Allele origin: germline.
Comment: In summary, the available evidence is currently insufficient to determine the role of this variant in disease. Therefore, it has been classified as a Variant of Uncertain Significance. Algorithms developed to predict the effect of sequence changes on RNA splicing suggest that this variant may create or strengthen a splice site. This variant has not been reported in the literature in individuals affected with RAD51D-related conditions. This variant is present in population databases (no rsID available, gnomAD 0.003%). This sequence change falls in intron 1 of the RAD51D gene. It does not directly change the encoded amino acid sequence of the RAD51D protein.

NM_002878.4(RAD51D):c.82+7G>A

Genes: RAD51L3-RFFL (RAD51L3-RFFL readthrough; minus strand), RAD51D (RAD51 paralog D; minus strand). Cytogenetic location: 17q12.
Variant type: single nucleotide variant.
Coding change: c.82+7G>A on transcript NM_002878.4 (MANE Select); 7 bases into the intron after coding-DNA position 82, G replaced by A.
Molecular consequence: intron variant.
Genome position (GRCh38, 1-based): chr17:35,119,525, C>T on the plus strand (G>A on the coding strand, the complement: RAD51D is on the minus strand). VCF-style: chr17-35119525-C-T. GRCh37 (hg19) VCF-style: chr17-33446544-C-T.
Other names: c.82+7G>A (NM_133629.3, NM_001142571.2).
Identifiers: ClinVar variation 3019616 (VCV003019616.3), dbSNP rs1567736277, ClinGen allele CA625782590.
Genomic context (GRCh38, chr17:35,119,525, plus strand): 5'-AGCCCTCGGGGCCTGCCCAGGTTGTGCGAGGCCCGCGCGGCTCCCTGGCACGCGCACACC[C>T]GGTCACCTGTCTTGATCCTGTGGCTCCTGAGAAGCTGGATCATCTCCTCGGTAAGGCCAG-3'